The following is an entry in ClinVar:

NM_007055.4(POLR3A):c.1745G>A (p.Arg582His)

Gene: POLR3A (RNA polymerase III subunit A; minus strand). Cytogenetic location: 10q22.3.
Variant type: single nucleotide variant.
Coding change: c.1745G>A on transcript NM_007055.4 (MANE Select); coding-DNA position 1745, G replaced by A.
Protein change: p.Arg582His; replaces arginine 582 with histidine.
Molecular consequence: missense variant.
Genome position (GRCh38, 1-based): chr10:78,009,889, C>T on the plus strand (G>A on the coding strand, the complement: POLR3A is on the minus strand). VCF-style: chr10-78009889-C-T. GRCh37 (hg19) VCF-style: chr10-79769647-C-T.
Other names: p.Arg582His; short protein forms R582H.
Identifiers: ClinVar variation 377235 (VCV000377235.44), dbSNP rs34588967, ClinGen allele CA5571349.
Genomic context (GRCh38, chr10:78,009,889, plus strand): 5'-ACACCTGTGCACCAACACACAACTCCCACACACACCTTTAGGATTGTAGGCGGTGGGAGG[C>T]GAACTTTAATTTTCTCATCCTTGCCAACCAGTATTGAAGCAATGATTTGGCAAGCCTTGG-3'
Protein context (NP_008986.2, residues 572-592): LVGKDEKIKV[Arg582His]LPPPTILKPV

ClinVar aggregate classification (germline): Benign/Likely benign. Review status: criteria provided, multiple submitters, no conflicts (2 of 4 stars). 8 submissions from 8 submitters: Benign (5); Likely benign (3). Last evaluated 2026-03-01.

Conditions:
Leukodystrophy, hypomyelinating, 7, with or without oligodontia and/or hypogonadotropic hypogonadism (HLD7). Also called: LEUKODYSTROPHY, HYPOMYELINATING, 7, WITH OLIGODONTIA; LEUKODYSTROPHY, HYPOMYELINATING, 7, WITH OLIGODONTIA AND HYPOGONADOTROPIC HYPOGONADISM; LEUKODYSTROPHY, HYPOMYELINATING, 7, WITHOUT OLIGODONTIA OR HYPOGONADOTROPIC HYPOGONADISM; LEUKOENCEPHALOPATHY, HYPOMYELINATING, WITH ATAXIA AND DELAYED DENTITION; ATAXIA, DELAYED DENTITION, AND HYPOMYELINATION; Ataxia, Delayed Dentition and Hypomyelination (ADDH). Identifiers: Orphanet 137639, Orphanet 447893, Orphanet 447896, Orphanet 77295, Orphanet 88637, MedGen CN034185, MONDO:0011897, OMIM 607694.

Allele frequency attached by ClinVar (database versions not stated): TOPMed 0.00643; 1000 Genomes Project 0.00739; 1000 Genomes Project 30x 0.00843.

Submissions (8):

CeGaT Center for Human Genetics Tuebingen
Classification: Likely benign. Last evaluated: 2026-03-01. Review status: criteria provided, single submitter. Criteria: CeGaT Center For Human Genetics Tuebingen Variant Classification Criteria Version 2. Collection method: clinical testing. Allele origin: germline. Affected: yes. Observed: 5 variant alleles.
Comment: POLR3A: BP4

Labcorp Genetics (formerly Invitae), Labcorp
Classification: Benign. Last evaluated: 2026-02-02. Review status: criteria provided, single submitter. Criteria: Invitae Variant Classification Sherloc (09022015). Collection method: clinical testing. Allele origin: germline.

Mayo Clinic Laboratories, Mayo Clinic
Classification: Benign. Last evaluated: 2025-02-25. Review status: criteria provided, single submitter. Criteria: ACMG Guidelines, 2015. Collection method: clinical testing. Allele origin: germline. Observed: 3 variant alleles.
Comment: BS1, BS2, BP4_moderate

GeneDx
Classification: Benign. Last evaluated: 2021-07-21. Review status: criteria provided, single submitter. Criteria: GeneDx Variant Classification Process June 2021. Collection method: clinical testing. Allele origin: germline. Affected: yes.
Comment: This variant is associated with the following publications: (PMID: 27535217, 27521716, 33713793, 26096995)

Mendelics
Classification: Benign for Leukodystrophy, hypomyelinating, 7, with or without oligodontia and/or hypogonadotropic hypogonadism. Last evaluated: 2019-05-28. Review status: criteria provided, single submitter. Criteria: Mendelics Assertion Criteria 2017. Collection method: clinical testing. Allele origin: unknown.

Illumina Laboratory Services, Illumina
Classification: Benign for Leukodystrophy, hypomyelinating, 7, with or without oligodontia and/or hypogonadotropic hypogonadism. Last evaluated: 2017-04-28. Review status: criteria provided, single submitter. Criteria: ICSL Variant Classification Criteria 13 December 2019. Collection method: clinical testing. Allele origin: germline.
Comment: This variant was observed as part of a predisposition screen in an ostensibly healthy population. A literature search was performed for the gene, cDNA change, and amino acid change (where applicable). Publications were found based on this search. The evidence from the literature, in combination with allele frequency data from public databases where available, was sufficient to rule this variant out of causing disease. Therefore, this variant is classified as benign.

Center for Pediatric Genomic Medicine, Children's Mercy Hospital and Clinics
Classification: Likely benign. Last evaluated: 2016-09-01. Review status: criteria provided, single submitter. Criteria: ACMG Guidelines, 2015. Collection method: clinical testing. Allele origin: germline.
ClinVar note: Converted during submission from Likely Benign to Likely benign.

Breakthrough Genomics
Classification: Likely benign. Review status: criteria provided, single submitter. Criteria: ACMG Guidelines, 2015. Collection method: not provided. Allele origin: germline. Inheritance: Autosomal recessive inheritance. Affected: yes.

Literature cited by the submitters: PubMed 26096995 (cited by Mayo Clinic Laboratories, Mayo Clinic and Illumina Laboratory Services, Illumina); PubMed 27521716 (cited by Illumina Laboratory Services, Illumina); PubMed 27535217 (cited by Illumina Laboratory Services, Illumina).